The following is an entry in ClinVar:

ClinVar aggregate classification (germline): Pathogenic. Review status: criteria provided, multiple submitters, no conflicts (2 of 4 stars). 2 submissions from 2 submitters: Pathogenic (2). Last evaluated 2026-04-28.

Conditions:
Glycine encephalopathy. Also called: Non-ketotic hyperglycinemia; Nonketotic hyperglycinemia. Identifiers: Orphanet 407, MedGen C0751748, MONDO:0011612, HP:0008288.

Allele frequency attached by ClinVar (database versions not stated): gnomAD exomes below 0.00001.
gnomAD v4.1: 2 of 1,612,980 alleles (0.00012%); highest among the groups gnomAD compares: South Asian, 0.0022%; no homozygotes.

Submissions (2):

Women's Health and Genetics/Laboratory Corporation of America, LabCorp
Classification: Pathogenic for Glycine encephalopathy. Last evaluated: 2026-04-28. Review status: criteria provided, single submitter. Criteria: LabCorp Variant Classification Summary - May 2015. Collection method: clinical testing. Allele origin: germline.
Comment: Variant summary: AMT c.2T>C (p.Met1Thr) alters the initiation codon and is predicted to result either in absence of the protein or truncation of the encoded protein due to translation initiation at a downstream codon. The next in-frame methionine is located at codon 49. The variant allele was found at a frequency of 4e-06 in 247792 control chromosomes (gnomAD). c.2T>C has been observed in several individuals affected with Glycine Encephalopathy (Non-Ketotic Hyperglycinemia) in the homozygous state or in trans with a pathogenic variant (e.g. Swanson_2015, Barbosa-Gouveia_2021, Nagarajan_2023). These data indicate that the variant is very likely to be associated with disease. The following publications have been ascertained in the context of this evaluation (PMID: 26179960, 34440436, 37583270). ClinVar contains an entry for this variant (Variation ID: 1457206). Based on the evidence outlined above, the variant was classified as pathogenic.

Labcorp Genetics (formerly Invitae), Labcorp
Classification: Pathogenic for Glycine encephalopathy. Last evaluated: 2025-05-07. Review status: criteria provided, single submitter. Criteria: Invitae Variant Classification Sherloc (09022015). Collection method: clinical testing. Allele origin: germline.
Comment: This sequence change affects the initiator codon of the AMT mRNA. This change may impact translation initiation or efficiency. The next in-frame methionine is located at codon 49. This variant is present in population databases (no rsID available, gnomAD 0.003%). Disruption of the initiator codon has been observed in individual(s) with glycine encephalopathy (PMID: 26179960). ClinVar contains an entry for this variant (Variation ID: 1457206). For these reasons, this variant has been classified as Pathogenic.

Literature cited by the submitters: PubMed 26179960 (cited by Women's Health and Genetics/Laboratory Corporation of America, LabCorp and Labcorp Genetics (formerly Invitae), Labcorp); PubMed 34440436 (cited by Women's Health and Genetics/Laboratory Corporation of America, LabCorp); PubMed 37583270 (cited by Women's Health and Genetics/Laboratory Corporation of America, LabCorp).

NM_000481.4(AMT):c.2T>C (p.Met1Thr)

Genes: AMT (aminomethyltransferase; minus strand), NICN1 (nicolin 1, tubulin polyglutamylase complex subunit; minus strand). Cytogenetic location: 3p21.31.
Variant type: single nucleotide variant.
Coding change: c.2T>C on transcript NM_000481.4 (MANE Select); coding-DNA position 2, T replaced by C.
Protein change: p.Met1Thr; changes the start codon (methionine 1).
Molecular consequence: missense variant, initiator codon variant. On other transcripts: non-coding transcript variant (1), 3 prime UTR variant (1).
Genome position (GRCh38, 1-based): chr3:49,422,449, A>G on the plus strand (T>C on the coding strand, the complement: AMT is on the minus strand). VCF-style: chr3-49422449-A-G. GRCh37 (hg19) VCF-style: chr3-49459882-A-G.
Other names: c.2T>C, p.Met1Thr (NM_001164710.2, NM_001164711.2, NM_001164712.2); c.*2384T>C (NM_032316.3); short protein forms M1T.
Identifiers: ClinVar variation 1457206 (VCV001457206.8), dbSNP rs1266259634, ClinGen allele CA352791544.